The following is an entry in ClinVar:

NM_006846.4(SPINK5):c.1072G>A (p.Gly358Arg)

Gene: SPINK5 (serine peptidase inhibitor Kazal type 5; plus strand). Cytogenetic location: 5q32.
Variant type: single nucleotide variant.
Coding change: c.1072G>A on transcript NM_006846.4 (MANE Select); coding-DNA position 1072, G replaced by A.
Protein change: p.Gly358Arg; replaces glycine 358 with arginine.
Molecular consequence: missense variant.
Genome position (GRCh38, 1-based): chr5:148,099,295, G>A. VCF-style: chr5-148099295-G-A. GRCh37 (hg19) VCF-style: chr5-147478858-G-A.
Other names: c.1072G>A (NM_006846.3); c.1072G>A, p.Gly358Arg (NM_001127698.2, NM_001127699.2); short protein forms G358R.
Identifiers: ClinVar variation 1044683 (VCV001044683.7), dbSNP rs1451813366, ClinGen allele CA361635841.

ClinVar aggregate classification (germline): Uncertain significance. Review status: criteria provided, multiple submitters, no conflicts (2 of 4 stars). 2 submissions from 2 submitters: Uncertain significance (2). Last evaluated 2024-05-02.

Conditions:
Inborn genetic diseases. Identifiers: MedGen C0950123, MeSH D030342.
Netherton syndrome (NETH). Also called: ERYTHRODERMA, ICHTHYOSIFORM, WITH HYPOTRICHOSIS AND HYPER-IgE; COMEL-NETHERTON SYNDROME; NETHERTON DISEASE. Identifiers: Orphanet 634, MedGen C5574950, MONDO:0009735, OMIM 256500.

Allele frequency attached by ClinVar (database versions not stated): TOPMed below 0.00001; gnomAD exomes 0.00001.
gnomAD v4.1: 5 of 1,612,312 alleles (0.00031%); highest among the groups gnomAD compares: Non-Finnish European, 0.00042%; no homozygotes.

Submissions (2):

Ambry Genetics
Classification: Uncertain significance for Inborn genetic diseases. Last evaluated: 2024-05-02. Review status: criteria provided, single submitter. Criteria: Ambry Variant Classification Scheme 2023. Collection method: clinical testing. Allele origin: germline.

Labcorp Genetics (formerly Invitae), Labcorp
Classification: Uncertain significance for Ichthyosis linearis circumflexa. Last evaluated: 2021-09-01. Review status: criteria provided, single submitter. Criteria: Invitae Variant Classification Sherloc (09022015). Collection method: clinical testing. Allele origin: germline.
Comment: This sequence change replaces glycine with arginine at codon 358 of the SPINK5 protein (p.Gly358Arg). The glycine residue is moderately conserved and there is a moderate physicochemical difference between glycine and arginine. This variant is not present in population databases (ExAC no frequency). This variant has not been reported in the literature in individuals affected with SPINK5-related conditions. Algorithms developed to predict the effect of missense changes on protein structure and function are either unavailable or do not agree on the potential impact of this missense change (SIFT: "Deleterious"; PolyPhen-2: "Possibly Damaging"; Align-GVGD: "Class C0"). In summary, the available evidence is currently insufficient to determine the role of this variant in disease. Therefore, it has been classified as a Variant of Uncertain Significance.